The following is an entry in ClinVar:

NM_030761.5(WNT4):c.875G>C (p.Arg292Thr)

Gene: WNT4 (Wnt family member 4; minus strand). Cytogenetic location: 1p36.12.
Variant type: single nucleotide variant.
Coding change: c.875G>C on transcript NM_030761.5 (MANE Select); coding-DNA position 875, G replaced by C.
Protein change: p.Arg292Thr; replaces arginine 292 with threonine.
Molecular consequence: missense variant.
Genome position (GRCh38, 1-based): chr1:22,120,231, C>G on the plus strand (G>C on the coding strand, the complement: WNT4 is on the minus strand). VCF-style: chr1-22120231-C-G. GRCh37 (hg19) VCF-style: chr1-22446724-C-G.
Other names: short protein forms R292T.
Identifiers: ClinVar variation 2819959 (VCV002819959.4), dbSNP rs368885409, ClinGen allele CA675253.

ClinVar aggregate classification (germline): Conflicting classifications of pathogenicity. Review status: criteria provided, conflicting classifications (1 of 4 stars). 2 submissions from 2 submitters: Uncertain significance (1); Likely benign (1). Last evaluated 2025-07-15.

Conditions:
SERKAL syndrome (SERKAL). Also called: 46,XX SEX REVERSAL WITH DYSGENESIS OF KIDNEYS, ADRENALS, AND LUNGS. Identifiers: Orphanet 139466, MedGen C2678492, MONDO:0012734, OMIM 611812.
Mullerian aplasia and hyperandrogenism. Also called: MULLERIAN DUCT FAILURE AND HYPERANDROGENISM. Identifiers: Orphanet 247768, MedGen C2675014, MONDO:0008019, OMIM 158330.

Allele frequency attached by ClinVar (database versions not stated): ExAC 0.00012; TOPMed 0.00018; gnomAD 0.00022; ESP Exome Variant Server 0.00023; gnomAD exomes 0.00035.
gnomAD v4.1: 538 of 1,614,020 alleles (0.033%); highest among the groups gnomAD compares: Non-Finnish European, 0.044%; no homozygotes.

Submissions (2):

Labcorp Genetics (formerly Invitae), Labcorp
Classification: Uncertain significance. Last evaluated: 2025-07-15. Review status: criteria provided, single submitter. Criteria: Invitae Variant Classification Sherloc (09022015). Collection method: clinical testing. Allele origin: germline.
Comment: This sequence change replaces arginine, which is basic and polar, with threonine, which is neutral and polar, at codon 292 of the WNT4 protein (p.Arg292Thr). This variant is present in population databases (rs368885409, gnomAD 0.03%). This variant has not been reported in the literature in individuals affected with WNT4-related conditions. ClinVar contains an entry for this variant (Variation ID: 2819959). Invitae Evidence Modeling of protein sequence and biophysical properties (such as structural, functional, and spatial information, amino acid conservation, physicochemical variation, residue mobility, and thermodynamic stability) indicates that this missense variant is not expected to disrupt WNT4 protein function with a negative predictive value of 80%. In summary, the available evidence is currently insufficient to determine the role of this variant in disease. Therefore, it has been classified as a Variant of Uncertain Significance.

Fulgent Genetics
Classification: Likely benign for Mullerian aplasia and hyperandrogenism; SERKAL syndrome. Last evaluated: 2024-03-22. Review status: criteria provided, single submitter. Criteria: ACMG Guidelines, 2015. Collection method: clinical testing. Allele origin: germline.